The following is an entry in ClinVar:

NM_000530.8(MPZ):c.235-7C>T

Gene: MPZ (myelin protein zero; minus strand). Cytogenetic location: 1q23.3.
Variant type: single nucleotide variant.
Coding change: c.235-7C>T on transcript NM_000530.8 (MANE Select); 7 bases into the intron before coding-DNA position 235, C replaced by T.
Molecular consequence: intron variant.
Genome position (GRCh38, 1-based): chr1:161,306,928, G>A on the plus strand (C>T on the coding strand, the complement: MPZ is on the minus strand). VCF-style: chr1-161306928-G-A. GRCh37 (hg19) VCF-style: chr1-161276718-G-A.
Other names: c.235-7C>T (LRG_256t1, NM_001315491.2).
Identifiers: ClinVar variation 387198 (VCV000387198.1), dbSNP rs1057522724, ClinGen allele CA16603476.

ClinVar aggregate classification (germline): Likely benign (1 of 4 stars; one submission).

Submission:

GeneDx
Classification: Likely benign. Last evaluated: 2016-06-28. Review status: criteria provided, single submitter. Criteria: GeneDx Variant Classification (06012015). Collection method: clinical testing. Allele origin: germline. Affected: yes.
Comment: This variant is considered likely benign or benign based on one or more of the following criteria: it is a conservative change, it occurs at a poorly conserved position in the protein, it is predicted to be benign by multiple in silico algorithms, and/or has population frequency not consistent with disease.